The following is an entry in ClinVar:

NM_153704.6(TMEM67):c.835G>A (p.Ala279Thr)

Gene: TMEM67 (transmembrane protein 67; plus strand). Cytogenetic location: 8q22.1.
Variant type: single nucleotide variant.
Coding change: c.835G>A on transcript NM_153704.6 (MANE Select); coding-DNA position 835, G replaced by A.
Protein change: p.Ala279Thr; replaces alanine 279 with threonine.
Molecular consequence: missense variant. On other transcripts: non-coding transcript variant (1).
Genome position (GRCh38, 1-based): chr8:93,780,713, G>A. VCF-style: chr8-93780713-G-A. GRCh37 (hg19) VCF-style: chr8-94792941-G-A.
Other names: c.592G>A, p.Ala198Thr (NM_001142301.1); short protein forms A198T, A279T.
Identifiers: ClinVar variation 2574953 (VCV002574953.1), dbSNP rs1563458416, ClinGen allele CA371688010.
Genomic context (GRCh38, chr8:93,780,713, plus strand): 5'-TCTTACGACTTTGCCACATTTGATGCATGTGGACTATTTCAGTTTATCTTTGAAAATACT[G>A]CTGGACTGAGCACTGTTCATTCTATTTCATTTTGGTAAGGATATTTTGATTGATGAAATG-3'
Protein context (NP_714915.3, residues 269-289): GLFQFIFENT[Ala279Thr]GLSTVHSISF

ClinVar aggregate classification (germline): Uncertain significance (1 of 4 stars; one submission).

Allele frequency attached by ClinVar (database versions not stated): gnomAD exomes below 0.00001.

Submission:

GeneDx
Classification: Uncertain significance. Last evaluated: 2023-02-06. Review status: criteria provided, single submitter. Criteria: GeneDx Variant Classification Process June 2021. Collection method: clinical testing. Allele origin: germline. Affected: yes.
Comment: Not observed at significant frequency in large population cohorts (gnomAD); In silico analysis supports that this missense variant does not alter protein structure/function; Has not been previously published as pathogenic or benign to our knowledge